The following is an entry in ClinVar:

ClinVar aggregate classification (germline): Likely benign. Review status: criteria provided, multiple submitters, no conflicts (2 of 4 stars). 6 submissions from 6 submitters: Likely benign (6). Last evaluated 2025-10-06.

Conditions:
Hereditary cancer-predisposing syndrome. Also called: Hereditary neoplastic syndrome; Hereditary Cancer Syndrome; Neoplastic Syndromes, Hereditary; Tumor predisposition. Identifiers: Orphanet 140162, MedGen C0027672, MeSH D009386, MONDO:0015356.
Familial cancer of breast. Also called: BREAST CANCER, FAMILIAL; hereditary breast carcinoma; Hereditary breast cancer. Identifiers: Orphanet 227535, MedGen C0346153, MONDO:0016419, OMIM 114480. Disease mechanism: loss of function.

Allele frequency attached by ClinVar (database versions not stated): gnomAD 0.00001; ExAC 0.00004.
gnomAD v4.1: 6 of 1,453,524 alleles (0.00041%); no homozygotes.

Submissions (6):

Labcorp Genetics (formerly Invitae), Labcorp
Classification: Likely benign for Familial cancer of breast. Last evaluated: 2025-10-06. Review status: criteria provided, single submitter. Criteria: Invitae Variant Classification Sherloc (09022015). Collection method: clinical testing. Allele origin: germline.

Myriad Genetics, Inc.
Classification: Likely benign for Familial cancer of breast. Last evaluated: 2024-07-19. Review status: criteria provided, single submitter. Criteria: Myriad Autosomal Dominant, Autosomal Recessive and X-Linked Classification Criteria (2023). Collection method: clinical testing. Allele origin: unknown.
Comment: This variant is considered likely benign. This variant is intronic and is not expected to impact mRNA splicing.

Department of Pathology and Laboratory Medicine, Sinai Health System
Classification: Likely benign for Familial cancer of breast. Last evaluated: 2021-12-21. Review status: criteria provided, single submitter. Criteria: ACMG Guidelines, 2015. Collection method: clinical testing. Allele origin: germline. Affected: no.

Sema4
Classification: Likely benign for Hereditary cancer-predisposing syndrome. Last evaluated: 2021-01-09. Review status: criteria provided, single submitter. Criteria: Sema4 Curation Guidelines. Collection method: curation. Allele origin: germline.

Color Diagnostics, LLC DBA Color Health
Classification: Likely benign for Hereditary cancer-predisposing syndrome. Last evaluated: 2016-12-23. Review status: criteria provided, single submitter. Criteria: ACMG Guidelines, 2015. Collection method: clinical testing. Allele origin: germline.

GeneDx
Classification: Likely benign. Last evaluated: 2016-02-29. Review status: criteria provided, single submitter. Criteria: GeneDx Variant Classification (06012015). Collection method: clinical testing. Allele origin: germline. Affected: yes.
Comment: This variant is considered likely benign or benign based on one or more of the following criteria: it is a conservative change, it occurs at a poorly conserved position in the protein, it is predicted to be benign by multiple in silico algorithms, and/or has population frequency not consistent with disease.

NM_000465.4(BARD1):c.216-12A>C

Gene: BARD1 (BRCA1 associated RING domain 1; minus strand). Cytogenetic location: 2q35.
Variant type: single nucleotide variant.
Coding change: c.216-12A>C on transcript NM_000465.4 (MANE Select); 12 bases into the intron before coding-DNA position 216, A replaced by C.
Molecular consequence: intron variant.
Genome position (GRCh38, 1-based): chr2:214,792,457, T>G on the plus strand (A>C on the coding strand, the complement: BARD1 is on the minus strand). VCF-style: chr2-214792457-T-G. GRCh37 (hg19) VCF-style: chr2-215657181-T-G.
Other names: c.216-12A>C (LRG_297t1, NM_001282549.2); c.158+16955A>C (NM_001282548.2); c.159-12A>C (NM_001282543.2); c.215+4604A>C (NM_001282545.2).
Identifiers: ClinVar variation 377551 (VCV000377551.14), dbSNP rs199846428, ClinGen allele CA2090465.